The following is an entry in ClinVar:

ClinVar aggregate classification (germline): Uncertain significance (1 of 4 stars; one submission).

Conditions:
Nemaline myopathy 2 (NEM2). Also called: Nemaline myopathy 2, autosomal recessive. Identifiers: MedGen C1850569, MONDO:0009725, OMIM 256030.

Submission:

Labcorp Genetics (formerly Invitae), Labcorp
Classification: Uncertain significance for Nemaline myopathy 2. Last evaluated: 2025-11-20. Review status: criteria provided, single submitter. Criteria: Invitae Variant Classification Sherloc (09022015). Collection method: clinical testing. Allele origin: germline.
Comment: This variant, c.21963_21964delinsAG, is a complex sequence change that results in the deletion of 2 and insertion of 2 amino acid(s) in the NEB protein (p.Asp7321_Arg7322delinsGluGly). Information on the frequency of this variant in the gnomAD database is not available, as this variant may be reported differently in the database. This variant has not been reported in the literature in individuals affected with NEB-related conditions. Experimental studies and prediction algorithms are not available or were not evaluated, and the functional significance of this variant is currently unknown. In summary, the available evidence is currently insufficient to determine the role of this variant in disease. Therefore, it has been classified as a Variant of Uncertain Significance.

NM_001164508.2(NEB):c.21858_21859delinsAG (p.Asp7286_Arg7287delinsGluGly)

Genes: NEB (nebulin; minus strand), RIF1 (replication timing regulatory factor 1; plus strand). Cytogenetic location: 2q23.3.
Variant type: Indel.
Coding change: c.21858_21859delinsAG on transcript NM_001164508.2 (MANE Select); coding-DNA positions 21858 to 21859, CC replaced by AG.
Protein change: p.Asp7286_Arg7287delinsGluGly.
Molecular consequence: missense variant.
Genome position (GRCh38, 1-based): chr2:151,527,004-151,527,005, GG replaced by CT on the plus strand (CC replaced by AG on the coding strand, the reverse complement: NEB is on the minus strand). VCF-style: chr2-151527004-GG-CT. GRCh37 (hg19) VCF-style: chr2-152383518-GG-CT.
Other names: c.21858_21859delinsAG, p.Asp7286_Arg7287delinsGluGly (NM_001164507.2); c.21963_21964delinsAG, p.Asp7321_Arg7322delinsGluGly (NM_001271208.2); c.16755_16756delinsAG, p.Asp5585_Arg5586delinsGluGly (NM_004543.5).
Identifiers: ClinVar variation 4763014 (VCV004763014.1).